The following is an entry in ClinVar:

NM_002075.4(GNB3):c.752G>A (p.Arg251His)

Genes: CDCA3 (cell division cycle associated 3; minus strand), GNB3 (G protein subunit beta 3; plus strand). Cytogenetic location: 12p13.31.
Variant type: single nucleotide variant.
Coding change: c.752G>A on transcript NM_002075.4 (MANE Select); coding-DNA position 752, G replaced by A.
Protein change: p.Arg251His; replaces arginine 251 with histidine.
Molecular consequence: missense variant.
Genome position (GRCh38, 1-based): chr12:6,845,638, G>A. VCF-style: chr12-6845638-G-A. GRCh37 (hg19) VCF-style: chr12-6954802-G-A.
Other names: c.749G>A, p.Arg250His (NM_001297571.2); short protein forms R251H, R250H.
Identifiers: ClinVar variation 840114 (VCV000840114.9), dbSNP rs782467023, ClinGen allele CA6417660.

ClinVar aggregate classification (germline): Uncertain significance. Review status: criteria provided, multiple submitters, no conflicts (2 of 4 stars). 2 submissions from 2 submitters: Uncertain significance (2). Last evaluated 2025-12-03.

Allele frequency attached by ClinVar (database versions not stated): ExAC 0.00003; gnomAD exomes 0.00003; TOPMed 0.00008; gnomAD 0.00009; 1000 Genomes Project 30x 0.00016; 1000 Genomes Project 0.00020.
gnomAD v4.1: 40 of 1,613,660 alleles (0.0025%); highest among the groups gnomAD compares: Admixed American, 0.023%; no homozygotes.

Submissions (2):

Labcorp Genetics (formerly Invitae), Labcorp
Classification: Uncertain significance. Last evaluated: 2025-12-03. Review status: criteria provided, single submitter. Criteria: Invitae Variant Classification Sherloc (09022015). Collection method: clinical testing. Allele origin: germline.
Comment: This sequence change replaces arginine, which is basic and polar, with histidine, which is basic and polar, at codon 251 of the GNB3 protein (p.Arg251His). This variant is present in population databases (rs782467023, gnomAD 0.03%). This variant has not been reported in the literature in individuals affected with GNB3-related conditions. ClinVar contains an entry for this variant (Variation ID: 840114). Invitae Evidence Modeling of protein sequence and biophysical properties (such as structural, functional, and spatial information, amino acid conservation, physicochemical variation, residue mobility, and thermodynamic stability) has been performed for this missense variant. However, the output from this modeling did not meet the statistical confidence thresholds required to predict the impact of this variant on GNB3 protein function. In summary, the available evidence is currently insufficient to determine the role of this variant in disease. Therefore, it has been classified as a Variant of Uncertain Significance.

Blueprint Genetics
Classification: Uncertain significance. Last evaluated: 2023-08-22. Review status: criteria provided, single submitter. Criteria: ACMG Guidelines, 2015. Collection method: clinical testing. Allele origin: germline.